The following is an entry in ClinVar:

NM_006267.5(RANBP2):c.5440A>G (p.Ile1814Val)

Gene: RANBP2 (RAN binding protein 2; plus strand). Cytogenetic location: 2q13.
Variant type: single nucleotide variant.
Coding change: c.5440A>G on transcript NM_006267.5 (MANE Select); coding-DNA position 5440, A replaced by G.
Protein change: p.Ile1814Val; replaces isoleucine 1814 with valine.
Molecular consequence: missense variant.
Genome position (GRCh38, 1-based): chr2:108,765,979, A>G. VCF-style: chr2-108765979-A-G. GRCh37 (hg19) VCF-style: chr2-109382435-A-G.
Other names: c.5440A>G, p.Ile1814Val (NM_001415871.1, NM_001415873.1); c.5437A>G, p.Ile1813Val (NM_001415872.1); short protein forms I1813V, I1814V.
Identifiers: ClinVar variation 4150330 (VCV004150330.3).

ClinVar aggregate classification (germline): Conflicting classifications of pathogenicity. Review status: criteria provided, conflicting classifications (1 of 4 stars). 2 submissions from 2 submitters: Uncertain significance (1); Likely benign (1). Last evaluated 2026-06-01.

gnomAD v4.1: 4 of 1,614,156 alleles (0.00025%); highest among the groups gnomAD compares: Admixed American, 0.0017%; no homozygotes.

Submissions (2):

CeGaT Center for Human Genetics Tuebingen
Classification: Uncertain significance. Last evaluated: 2026-06-01. Review status: criteria provided, single submitter. Criteria: CeGaT Center For Human Genetics Tuebingen Variant Classification Criteria Version 2. Collection method: clinical testing. Allele origin: germline. Affected: yes. Observed: 2 variant alleles.
Comment: RANBP2: PM2:Supporting, BP4

Ambry Genetics
Classification: Likely benign. Last evaluated: 2025-08-30. Review status: criteria provided, single submitter. Criteria: Ambry Variant Classification Scheme 2023. Collection method: clinical testing. Allele origin: germline.